The following is an entry in ClinVar:

NM_000124.4(ERCC6):c.1967CTG[1] (p.Ala657del)

Gene: ERCC6 (ERCC excision repair 6, chromatin remodeling factor; minus strand). Cytogenetic location: 10q11.23.
Variant type: Microsatellite.
Coding change: c.1967CTG[1] on transcript NM_000124.4 (MANE Select); one copy of the 3-base unit CTG starting at c.1967; the reference has two copies in a row; one copy, 3 bases deleted.
Protein change: p.Ala657del; deletes alanine 657.
Molecular consequence: inframe deletion.
Genome position (GRCh38, 1-based): chr10:49,483,366-49,483,368, CAG deleted on the plus strand (CTG on the coding strand, the reverse complement: ERCC6 is on the minus strand); deleting any 3 consecutive bases within chr10:49,483,366-49,483,373 gives the same sequence; the position shown is the placement nearest the transcript's 3' end. VCF-style (leftmost placement, unchanged base first): chr10-49483365-ACAG-A. GRCh37 (hg19) VCF-style: chr10-50691411-ACAG-A.
Other names: c.1967CTG[1], p.Ala657del (NM_001346440.2); short protein forms A657del.
Identifiers: ClinVar variation 5003926 (VCV005003926.1).
Genomic context (GRCh38, chr10:49,483,365, plus strand): 5'-CTTCTCCACTTGGAAATCTCCCTTGTTAAAAGAGGTCATACCTGTTTGCAAGCAAGGGTG[ACAG>A]CAGCATTTGGATTTCGAATTTTGTGTCCTTCGTCCAAGATCACATAGTGCCAGTCATACC-3'

ClinVar aggregate classification (germline): Uncertain significance (1 of 4 stars; one submission).

Conditions:
Cockayne spectrum with or without cerebrooculofacioskeletal syndrome. Identifiers: MedGen CN315928, MONDO:0100506.

Submission:

Myriad Genetics, Inc.
Classification: Uncertain significance for Cockayne spectrum with or without cerebrooculofacioskeletal syndrome. Last evaluated: 2025-12-05. Review status: criteria provided, single submitter. Criteria: Myriad Autosomal Dominant, Autosomal Recessive and X-Linked Classification Criteria (2023). Collection method: clinical testing. Allele origin: unknown.
Comment: NM_000124.2(ERCC6):c.1970_1972delCTG(A657del) is an in-frame deletion classified as a variant of uncertain significance in the context of ERCC6-related disorders. A657del has not been observed in cases with relevant disease. Relevant functional assessments of this variant are not available in the literature. A657del has not been observed in referenced population frequency databases. In summary, there is insufficient evidence to classify NM_000124.2(ERCC6):c.1970_1972delCTG(A657del) as pathogenic or benign. Please note: this variant was assessed in the context of healthy population screening.